The following is an entry in ClinVar:

ClinVar aggregate classification (germline): Uncertain significance (1 of 4 stars; one submission).

Conditions:
Rubinstein-Taybi syndrome (RSTS). Identifiers: Orphanet 783, MedGen C0035934, MONDO:0019188.

Submission:

Labcorp Genetics (formerly Invitae), Labcorp
Classification: Uncertain significance for Rubinstein-Taybi syndrome. Last evaluated: 2025-01-03. Review status: criteria provided, single submitter. Criteria: Invitae Variant Classification Sherloc (09022015). Collection method: clinical testing. Allele origin: germline.
Comment: This sequence change replaces histidine, which is basic and polar, with tyrosine, which is neutral and polar, at codon 1517 of the CREBBP protein (p.His1517Tyr). This variant is not present in population databases (gnomAD no frequency). This variant has not been reported in the literature in individuals affected with CREBBP-related conditions. Invitae Evidence Modeling of protein sequence and biophysical properties (such as structural, functional, and spatial information, amino acid conservation, physicochemical variation, residue mobility, and thermodynamic stability) indicates that this missense variant is not expected to disrupt CREBBP protein function with a negative predictive value of 95%. In summary, the available evidence is currently insufficient to determine the role of this variant in disease. Therefore, it has been classified as a Variant of Uncertain Significance.

NM_004380.3(CREBBP):c.4549C>T (p.His1517Tyr)

Gene: CREBBP (CREB binding lysine acetyltransferase; minus strand). Cytogenetic location: 16p13.3.
Variant type: single nucleotide variant.
Coding change: c.4549C>T on transcript NM_004380.3 (MANE Select); coding-DNA position 4549, C replaced by T.
Protein change: p.His1517Tyr; replaces histidine 1517 with tyrosine.
Molecular consequence: missense variant.
Genome position (GRCh38, 1-based): chr16:3,736,661, G>A on the plus strand (C>T on the coding strand, the complement: CREBBP is on the minus strand). VCF-style: chr16-3736661-G-A. GRCh37 (hg19) VCF-style: chr16-3786662-G-A.
Other names: c.4435C>T, p.His1479Tyr (NM_001079846.1); short protein forms H1517Y, H1479Y.
Identifiers: ClinVar variation 3720978 (VCV003720978.2).